The following is an entry in ClinVar:

NM_012193.4(FZD4):c.469A>T (p.Met157Leu)

Genes: FZD4 (frizzled class receptor 4; minus strand), PRSS23 (serine protease 23; plus strand). Cytogenetic location: 11q14.2.
Variant type: single nucleotide variant.
Coding change: c.469A>T on transcript NM_012193.4 (MANE Select); coding-DNA position 469, A replaced by T.
Protein change: p.Met157Leu; replaces methionine 157 with leucine.
Molecular consequence: missense variant. On other transcripts: non-coding transcript variant (2).
Genome position (GRCh38, 1-based): chr11:86,952,287, T>A on the plus strand (A>T on the coding strand, the complement: FZD4 is on the minus strand). VCF-style: chr11-86952287-T-A. GRCh37 (hg19) VCF-style: chr11-86663329-T-A.
Other names: short protein forms M157L.
Identifiers: ClinVar variation 2096799 (VCV002096799.4), dbSNP rs80358286, ClinGen allele CA382016188.

ClinVar aggregate classification (germline): Uncertain significance (1 of 4 stars; one submission).

Allele frequency attached by ClinVar (database versions not stated): gnomAD exomes below 0.00001.
gnomAD v4.1: 1 of 1,614,172 alleles (0.000062%); highest among the groups gnomAD compares: Admixed American, 0.0017%; no homozygotes.

Submission:

Labcorp Genetics (formerly Invitae), Labcorp
Classification: Uncertain significance. Last evaluated: 2022-05-15. Review status: criteria provided, single submitter. Criteria: Invitae Variant Classification Sherloc (09022015). Collection method: clinical testing. Allele origin: germline.
Comment: This variant has not been reported in the literature in individuals affected with FZD4-related conditions. This variant is not present in population databases (gnomAD no frequency). This sequence change replaces methionine, which is neutral and non-polar, with leucine, which is neutral and non-polar, at codon 157 of the FZD4 protein (p.Met157Leu). Algorithms developed to predict the effect of missense changes on protein structure and function are either unavailable or do not agree on the potential impact of this missense change (SIFT: "Deleterious"; PolyPhen-2: "Benign"; Align-GVGD: "Class C0"). In summary, the available evidence is currently insufficient to determine the role of this variant in disease. Therefore, it has been classified as a Variant of Uncertain Significance. This variant disrupts the p.Met157 amino acid residue in FZD4. Other variant(s) that disrupt this residue have been determined to be pathogenic (PMID: 15223780). This suggests that this residue is clinically significant, and that variants that disrupt this residue are likely to be disease-causing.

Literature cited by the submitters: PubMed 15223780.